The following is an entry in ClinVar:

ClinVar aggregate classification (germline): Uncertain significance (1 of 4 stars; one submission).

Conditions:
Hereditary cancer-predisposing syndrome. Also called: Neoplastic Syndromes, Hereditary; Tumor predisposition; Hereditary neoplastic syndrome; Hereditary Cancer Syndrome. Identifiers: Orphanet 140162, MedGen C0027672, MeSH D009386, MONDO:0015356.

Submission:

Ambry Genetics
Classification: Uncertain significance for Hereditary cancer-predisposing syndrome. Last evaluated: 2025-03-31. Review status: criteria provided, single submitter. Criteria: Ambry Variant Classification Scheme 2023. Collection method: clinical testing. Allele origin: germline.
Comment: The p.V161A variant (also known as c.482T>C), located in coding exon 2 of the MEN1 gene, results from a T to C substitution at nucleotide position 482. The valine at codon 161 is replaced by alanine, an amino acid with similar properties. This amino acid position is conserved. In addition, this alteration is predicted to be deleterious by in silico analysis. Based on the available evidence, the clinical significance of this variant remains unclear.

NM_001370259.2(MEN1):c.482T>C (p.Val161Ala)

Gene: MEN1 (menin 1; minus strand). Cytogenetic location: 11q13.1.
Variant type: single nucleotide variant.
Coding change: c.482T>C on transcript NM_001370259.2 (MANE Select); coding-DNA position 482, T replaced by C.
Protein change: p.Val161Ala; replaces valine 161 with alanine.
Molecular consequence: missense variant. On other transcripts: non-coding transcript variant (4).
Genome position (GRCh38, 1-based): chr11:64,808,063, A>G on the plus strand (T>C on the coding strand, the complement: MEN1 is on the minus strand). VCF-style: chr11-64808063-A-G. GRCh37 (hg19) VCF-style: chr11-64575535-A-G.
Other names: c.497T>C, p.Val166Ala (NM_000244.4, NM_001407145.1, NM_001407150.1 and 5 more transcripts); c.482T>C, p.Val161Ala (NM_001370251.2, NM_001370260.2, NM_001370261.2 and 12 more transcripts); short protein forms V166A, V161A.
Identifiers: ClinVar variation 4053794 (VCV004053794.1).